The following is an entry in ClinVar:

ClinVar aggregate classification (germline): Uncertain significance. Review status: criteria provided, multiple submitters, no conflicts (2 of 4 stars). 2 submissions from 2 submitters: Uncertain significance (2). Last evaluated 2024-07-28.

Conditions:
DICER1-related tumor predisposition. Also called: DICER1 syndrome; DICER1-related pleuropulmonary blastoma cancer predisposition syndrome. Identifiers: Orphanet 284343, MedGen C3839822, MONDO:0100216.
Hereditary cancer-predisposing syndrome. Also called: Hereditary neoplastic syndrome; Neoplastic Syndromes, Hereditary; Hereditary Cancer Syndrome; Tumor predisposition. Identifiers: Orphanet 140162, MedGen C0027672, MeSH D009386, MONDO:0015356.

Allele frequency attached by ClinVar (database versions not stated): TOPMed below 0.00001; gnomAD 0.00001.
gnomAD v4.1: 1 of 1,614,044 alleles (0.000062%); highest among the groups gnomAD compares: Non-Finnish European, 0.000085%; no homozygotes.

Submissions (2):

Ambry Genetics
Classification: Uncertain significance for Hereditary cancer-predisposing syndrome. Last evaluated: 2024-07-28. Review status: criteria provided, single submitter. Criteria: Ambry Variant Classification Scheme 2023. Collection method: clinical testing. Allele origin: germline.
Comment: The p.K1671E variant (also known as c.5011A>G), located in coding exon 22 of the DICER1 gene, results from an A to G substitution at nucleotide position 5011. The lysine at codon 1671 is replaced by glutamic acid, an amino acid with similar properties. This amino acid position is conserved. In addition, this alteration is predicted to be tolerated by in silico analysis. Based on the available evidence, the clinical significance of this variant remains unclear.

Labcorp Genetics (formerly Invitae), Labcorp
Classification: Uncertain significance for DICER1-related tumor predisposition. Last evaluated: 2021-10-14. Review status: criteria provided, single submitter. Criteria: Invitae Variant Classification Sherloc (09022015). Collection method: clinical testing. Allele origin: germline.
Comment: In summary, the available evidence is currently insufficient to determine the role of this variant in disease. Therefore, it has been classified as a Variant of Uncertain Significance. Algorithms developed to predict the effect of sequence changes on RNA splicing suggest that this variant may create or strengthen a splice site. Algorithms developed to predict the effect of missense changes on protein structure and function output the following: SIFT: "Tolerated"; PolyPhen-2: "Benign"; Align-GVGD: "Class C0". The glutamic acid amino acid residue is found in multiple mammalian species, which suggests that this missense change does not adversely affect protein function. This variant has not been reported in the literature in individuals affected with DICER1-related conditions. This variant is not present in population databases (ExAC no frequency). This sequence change replaces lysine with glutamic acid at codon 1671 of the DICER1 protein (p.Lys1671Glu). The lysine residue is moderately conserved and there is a small physicochemical difference between lysine and glutamic acid.

NM_177438.3(DICER1):c.5011A>G (p.Lys1671Glu)

Gene: DICER1 (dicer 1, ribonuclease III; minus strand). Cytogenetic location: 14q32.13.
Variant type: single nucleotide variant.
Coding change: c.5011A>G on transcript NM_177438.3 (MANE Select); coding-DNA position 5011, A replaced by G.
Protein change: p.Lys1671Glu; replaces lysine 1671 with glutamic acid.
Molecular consequence: missense variant.
Genome position (GRCh38, 1-based): chr14:95,095,909, T>C on the plus strand (A>G on the coding strand, the complement: DICER1 is on the minus strand). VCF-style: chr14-95095909-T-C. GRCh37 (hg19) VCF-style: chr14-95562246-T-C.
Other names: c.5011A>G, p.Lys1671Glu (NM_001195573.1, NM_001271282.3, NM_001291628.2 and 1 more transcripts); c.5011A>G (NM_177438.2); short protein forms K1671E.
Identifiers: ClinVar variation 1397668 (VCV001397668.6), dbSNP rs1484737767, ClinGen allele CA390866104.